The following is an entry in ClinVar:

ClinVar aggregate classification (germline): Uncertain significance (1 of 4 stars; one submission).

Conditions:
Combined immunodeficiency due to LRBA deficiency. Also called: Common variable immunodeficiency 8, with autoimmunity. Identifiers: Orphanet 445018, MedGen C3553512, MONDO:0013863, OMIM 614700.

Allele frequency attached by ClinVar (database versions not stated): TOPMed 0.00002; gnomAD exomes 0.00006; 1000 Genomes Project 0.00020; ExAC 0.00002; gnomAD 0.00001; 1000 Genomes Project 30x 0.00016.
gnomAD v4.1: 81 of 1,596,156 alleles (0.0051%); highest among the groups gnomAD compares: Non-Finnish European, 0.0066%; no homozygotes.

Submission:

Labcorp Genetics (formerly Invitae), Labcorp
Classification: Uncertain significance for Combined immunodeficiency due to LRBA deficiency. Last evaluated: 2022-05-20. Review status: criteria provided, single submitter. Criteria: Invitae Variant Classification Sherloc (09022015). Collection method: clinical testing. Allele origin: germline.
Comment: This sequence change falls in intron 6 of the LRBA gene. It does not directly change the encoded amino acid sequence of the LRBA protein. This variant is present in population databases (rs191064881, gnomAD 0.004%). This variant has not been reported in the literature in individuals affected with LRBA-related conditions. Algorithms developed to predict the effect of sequence changes on RNA splicing suggest that this variant may disrupt the consensus splice site. In summary, the available evidence is currently insufficient to determine the role of this variant in disease. Therefore, it has been classified as a Variant of Uncertain Significance.

NM_001364905.1(LRBA):c.767+7A>G

Gene: LRBA (LPS responsive beige-like anchor protein; minus strand). Cytogenetic location: 4q31.3.
Variant type: single nucleotide variant.
Coding change: c.767+7A>G on transcript NM_001364905.1 (MANE Select); 7 bases into the intron after coding-DNA position 767, A replaced by G.
Molecular consequence: intron variant.
Genome position (GRCh38, 1-based): chr4:150,916,610, T>C on the plus strand (A>G on the coding strand, the complement: LRBA is on the minus strand). VCF-style: chr4-150916610-T-C. GRCh37 (hg19) VCF-style: chr4-151837762-T-C.
Other names: c.767+7A>G (NM_001367550.1, NM_006726.5, NM_001199282.3 and 2 more transcripts).
Identifiers: ClinVar variation 2155575 (VCV002155575.1), dbSNP rs191064881, ClinGen allele CA3103777.
Genomic context (GRCh38, chr4:150,916,610, plus strand): 5'-TACCTCTAAATATTCTTCTCAGTTTCAAAGTAAGGTTTTAACACTAATCAGTTACAGAAA[T>C]ACATACCAATACAAATATGGTTTATCCTTATCTACATTGATGTTATTTACAGGATCCATT-3'